The following is an entry in ClinVar:

NC_000006.11:g.(?_65146047)_(65336158_?)del

Gene: EYS (eyes shut homolog; minus strand). Cytogenetic location: 6q12.
Variant type: Deletion.
Identifiers: ClinVar variation 2423839 (VCV002423839.4).

ClinVar aggregate classification (germline): Pathogenic (1 of 4 stars; one submission).

Submission:

Labcorp Genetics (formerly Invitae), Labcorp
Classification: Pathogenic. Last evaluated: 2022-02-27. Review status: criteria provided, single submitter. Criteria: Invitae Variant Classification Sherloc (09022015). Collection method: clinical testing. Allele origin: germline.
Comment: For these reasons, this variant has been classified as Pathogenic. This variant disrupts a region of the EYS protein in which other variant(s) (p.Val1270Gly) have been determined to be pathogenic (PMID: 22302105, 31814702, 32218477, 33691693). This suggests that this is a clinically significant region of the protein, and that variants that disrupt it are likely to be disease-causing. This variant has not been reported in the literature in individuals affected with EYS-related conditions. This variant is a gross deletion of the genomic region encompassing exon(s) 23-28 of the EYS gene. This variant would be expected to be in-frame, preserving the integrity of the reading frame.

Literature cited by the submitters: PubMed 22302105; PubMed 31814702; PubMed 32218477; PubMed 33691693.